The following is an entry in ClinVar:

NM_030624.3(KLHL15):c.1777C>A (p.Pro593Thr)

Gene: KLHL15 (kelch like family member 15; minus strand). Cytogenetic location: Xp22.11.
Variant type: single nucleotide variant.
Coding change: c.1777C>A on transcript NM_030624.3 (MANE Select); coding-DNA position 1777, C replaced by A.
Protein change: p.Pro593Thr; replaces proline 593 with threonine.
Molecular consequence: missense variant.
Genome position (GRCh38, 1-based): chrX:23,987,959, G>T on the plus strand (C>A on the coding strand, the complement: KLHL15 is on the minus strand). VCF-style: chrX-23987959-G-T. GRCh37 (hg19) VCF-style: chrX-24006076-G-T.
Other names: short protein forms P593T.
Identifiers: ClinVar variation 2630901 (VCV002630901.2), dbSNP rs2518903679, ClinGen allele CA412598200.

ClinVar aggregate classification (germline): Uncertain significance (1 of 4 stars; one submission).

Conditions:
KLHL15-related disorder. Also called: KLHL15-related condition.

Submission:

PreventionGenetics, part of Exact Sciences
Classification: Uncertain significance for KLHL15-related condition. Last evaluated: 2024-12-27. Review status: criteria provided, single submitter. Criteria: ACMG Guidelines, 2015. Collection method: clinical testing. Allele origin: germline.
Comment: The KLHL15 c.1777C>A variant is predicted to result in the amino acid substitution p.Pro593Thr. To our knowledge, this variant has not been reported in the literature or in a large population database (gnomAD), indicating this variant is rare. At this time, the clinical significance of this variant is uncertain due to the absence of conclusive functional and genetic evidence.